The following is an entry in ClinVar:

ClinVar aggregate classification (germline): Uncertain significance (1 of 4 stars; one submission).

gnomAD v4.1: 9 of 1,601,562 alleles (0.00056%); highest among the groups gnomAD compares: South Asian, 0.01%; no homozygotes.

Submission:

Labcorp Genetics (formerly Invitae), Labcorp
Classification: Uncertain significance. Last evaluated: 2021-03-24. Review status: criteria provided, single submitter. Criteria: Invitae Variant Classification Sherloc (09022015). Collection method: clinical testing. Allele origin: germline.
Comment: This sequence change replaces aspartic acid with valine at codon 592 of the IFT74 protein (p.Asp592Val). The aspartic acid residue is moderately conserved and there is a large physicochemical difference between aspartic acid and valine. This variant is present in population databases (rs372962980, ExAC 0.006%). This variant has not been reported in the literature in individuals with IFT74-related conditions. Algorithms developed to predict the effect of missense changes on protein structure and function are either unavailable or do not agree on the potential impact of this missense change (SIFT: "Deleterious"; PolyPhen-2: "Benign"; Align-GVGD: "Class C25"). In summary, the available evidence is currently insufficient to determine the role of this variant in disease. Therefore, it has been classified as a Variant of Uncertain Significance.

NM_025103.4(IFT74):c.1775A>T (p.Asp592Val)

Gene: IFT74 (intraflagellar transport 74; plus strand). Cytogenetic location: 9p21.2.
Variant type: single nucleotide variant.
Coding change: c.1775A>T on transcript NM_025103.4 (MANE Select); coding-DNA position 1775, A replaced by T.
Protein change: p.Asp592Val; replaces aspartic acid 592 with valine.
Molecular consequence: missense variant. On other transcripts: 3 prime UTR variant (1).
Genome position (GRCh38, 1-based): chr9:27,062,708, A>T. VCF-style: chr9-27062708-A-T. GRCh37 (hg19) VCF-style: chr9-27062706-A-T.
Other names: c.1775A>T, p.Asp592Val (NM_001099222.3, NM_001099223.3); c.*711A>T (NM_001349928.2); short protein forms D592V.
Identifiers: ClinVar variation 1469140 (VCV001469140.8), dbSNP rs372962980, ClinGen allele CA5015782.